The following is an entry in ClinVar:

NM_170606.3(KMT2C):c.56C>T (p.Pro19Leu)

Gene: KMT2C (lysine methyltransferase 2C; minus strand). Cytogenetic location: 7q36.1.
Variant type: single nucleotide variant.
Coding change: c.56C>T on transcript NM_170606.3 (MANE Select); coding-DNA position 56, C replaced by T.
Protein change: p.Pro19Leu; replaces proline 19 with leucine.
Molecular consequence: missense variant.
Genome position (GRCh38, 1-based): chr7:152,435,731, G>A on the plus strand (C>T on the coding strand, the complement: KMT2C is on the minus strand). VCF-style: chr7-152435731-G-A. GRCh37 (hg19) VCF-style: chr7-152132816-G-A.
Other names: short protein forms P19L.
Identifiers: ClinVar variation 3026554 (VCV003026554.22), dbSNP rs1043931017, ClinGen allele CA169240719.
Genomic context (GRCh38, chr7:152,435,731, plus strand): 5'-CGGCCCCGAGGTCTTTTGTCTGCGGCTGCGGGGCTCGGGGCCGGGGCTCCAGGCTCCTCG[G>A]GGGGTGGTGGCGGCGGCTGCGGCTGCTCCACGCTCTTGTCCTCCTCCGACGACATCCTAG-3'
Protein context (NP_733751.2, residues 9-29): VEQPQPPPPP[Pro19Leu]EEPGAPAPSP

ClinVar aggregate classification (germline): Uncertain significance (1 of 4 stars; one submission).

Submission:

CeGaT Center for Human Genetics Tuebingen
Classification: Uncertain significance. Last evaluated: 2023-12-01. Review status: criteria provided, single submitter. Criteria: CeGaT Center For Human Genetics Tuebingen Variant Classification Criteria Version 2. Collection method: clinical testing. Allele origin: germline. Affected: yes. Observed: 1 variant allele.
Comment: KMT2C: PM2:Supporting